The following is an entry in ClinVar:

NM_144988.4(ALG14):c.619C>T (p.Pro207Ser)

Gene: ALG14 (ALG14 UDP-N-acetylglucosaminyltransferase subunit; minus strand). Cytogenetic location: 1p21.3.
Variant type: single nucleotide variant.
Coding change: c.619C>T on transcript NM_144988.4 (MANE Select); coding-DNA position 619, C replaced by T.
Protein change: p.Pro207Ser; replaces proline 207 with serine.
Molecular consequence: missense variant. On other transcripts: 3 prime UTR variant (1), non-coding transcript variant (1).
Genome position (GRCh38, 1-based): chr1:94,983,108, G>A on the plus strand (C>T on the coding strand, the complement: ALG14 is on the minus strand). VCF-style: chr1-94983108-G-A. GRCh37 (hg19) VCF-style: chr1-95448664-G-A.
Other names: c.*188C>T (NM_001305242.2); short protein forms P207S.
Identifiers: ClinVar variation 1963395 (VCV001963395.4), dbSNP rs2525552113, ClinGen allele CA341364306.

ClinVar aggregate classification (germline): Uncertain significance (1 of 4 stars; one submission).

Conditions:
Congenital myasthenic syndrome 15. Also called: Myasthenic syndrome, congenital, 15, without tubular aggregates. Identifiers: Orphanet 353327, Orphanet 590, MedGen C4015596, MONDO:0014542, OMIM 616227.

gnomAD v4.1: 1 of 1,614,150 alleles (0.000062%); highest among the groups gnomAD compares: Non-Finnish European, 0.000085%; no homozygotes.

Submission:

Labcorp Genetics (formerly Invitae), Labcorp
Classification: Uncertain significance for Congenital myasthenic syndrome 15. Last evaluated: 2022-03-18. Review status: criteria provided, single submitter. Criteria: Invitae Variant Classification Sherloc (09022015). Collection method: clinical testing. Allele origin: germline.
Comment: This sequence change replaces proline, which is neutral and non-polar, with serine, which is neutral and polar, at codon 207 of the ALG14 protein (p.Pro207Ser). This variant is not present in population databases (gnomAD no frequency). This variant has not been reported in the literature in individuals affected with ALG14-related conditions. Algorithms developed to predict the effect of missense changes on protein structure and function are either unavailable or do not agree on the potential impact of this missense change (SIFT: "Deleterious"; PolyPhen-2: "Possibly Damaging"; Align-GVGD: "Class C0"). In summary, the available evidence is currently insufficient to determine the role of this variant in disease. Therefore, it has been classified as a Variant of Uncertain Significance.